The following is an entry in ClinVar:

NM_000179.3(MSH6):c.3838_3849del (p.Gln1280_Ile1283del)

Gene: MSH6 (mutS homolog 6; plus strand). Cytogenetic location: 2p16.3.
Variant type: Deletion.
Coding change: c.3838_3849del on transcript NM_000179.3 (MANE Select); coding-DNA positions 3838 to 3849, 12 bases deleted (CAGGAGACTATT).
Protein change: p.Gln1280_Ile1283del.
Molecular consequence: non-coding transcript variant (on NR_176256.1). On other transcripts: intron variant (1).
Genome position (GRCh38, 1-based): chr2:47,806,488-47,806,499, CAGGAGACTATT deleted. VCF-style (leftmost placement, unchanged base first): chr2-47806487-CCAGGAGACTATT-C. GRCh37 (hg19) VCF-style: chr2-48033626-CCAGGAGACTATT-C.
Other names: c.2932_2943del, p.Gln978_Ile981del (NM_001406812.1, NM_001406814.1, NM_001406815.1 and 6 more transcripts); c.3844_3855del, p.Gln1282_Ile1285del (NM_001406813.1); c.2272_2283del, p.Gln758_Ile761del (NM_001406817.1); c.3541_3552del, p.Gln1181_Ile1184del (NM_001406818.1, NM_001406819.1, NM_001406820.1 and 10 more transcripts); c.3670_3681del, p.Gln1224_Ile1227del (NM_001406826.1); c.619_630del, p.Gln207_Ile210del (NM_001406831.1); c.685_696del, p.Gln229_Ile232del (NM_001406832.1); c.1783_1794del, p.Gln595_Ile598del (NM_001407362.1); and 9 more.
Identifiers: ClinVar variation 3727064 (VCV003727064.2).

ClinVar aggregate classification (germline): Uncertain significance (1 of 4 stars; one submission).

Conditions:
Hereditary nonpolyposis colorectal neoplasms. Identifiers: MedGen C0009405, MeSH D003123.

Submission:

Labcorp Genetics (formerly Invitae), Labcorp
Classification: Uncertain significance for Hereditary nonpolyposis colorectal neoplasms. Last evaluated: 2024-12-12. Review status: criteria provided, single submitter. Criteria: Invitae Variant Classification Sherloc (09022015). Collection method: clinical testing. Allele origin: germline.
Comment: This variant, c.3838_3849del, results in the deletion of 4 amino acid(s) of the MSH6 protein (p.Gln1280_Ile1283del), but otherwise preserves the integrity of the reading frame. This variant is not present in population databases (gnomAD no frequency). This variant has not been reported in the literature in individuals affected with MSH6-related conditions. Experimental studies and prediction algorithms are not available or were not evaluated, and the functional significance of this variant is currently unknown. In summary, the available evidence is currently insufficient to determine the role of this variant in disease. Therefore, it has been classified as a Variant of Uncertain Significance.